The following is an entry in ClinVar:

NM_005751.5(AKAP9):c.5135T>C (p.Val1712Ala)

Gene: AKAP9 (A-kinase anchoring protein 9; plus strand). Cytogenetic location: 7q21.2.
Variant type: single nucleotide variant.
Coding change: c.5135T>C on transcript NM_005751.5 (MANE Select); coding-DNA position 5135, T replaced by C.
Protein change: p.Val1712Ala; replaces valine 1712 with alanine.
Molecular consequence: missense variant.
Genome position (GRCh38, 1-based): chr7:92,042,744, T>C. VCF-style: chr7-92042744-T-C. GRCh37 (hg19) VCF-style: chr7-91672058-T-C.
Other names: c.5135T>C, p.Val1712Ala (NM_147185.3); short protein forms V1712A.
Identifiers: ClinVar variation 4613382 (VCV004613382.1).

ClinVar aggregate classification (germline): Uncertain significance (1 of 4 stars; one submission).

Conditions:
Cardiovascular phenotype. Identifiers: MedGen CN230736.

gnomAD v4.1: 9 of 1,611,494 alleles (0.00056%); highest among the groups gnomAD compares: Non-Finnish European, 0.00076%; no homozygotes.

Submission:

Ambry Genetics
Classification: Uncertain significance for Cardiovascular phenotype. Last evaluated: 2025-09-21. Review status: criteria provided, single submitter. Criteria: Ambry Variant Classification Scheme 2023. Collection method: clinical testing. Allele origin: germline.
Comment: The p.V1712A variant (also known as c.5135T>C), located in coding exon 20 of the AKAP9 gene, results from a T to C substitution at nucleotide position 5135. The valine at codon 1712 is replaced by alanine, an amino acid with similar properties. This amino acid position is conserved. In addition, this alteration is predicted to be tolerated by in silico analysis. Based on the available evidence, the clinical significance of this variant remains unclear.